The following is an entry in ClinVar:

ClinVar aggregate classification (germline): Likely benign. Review status: criteria provided, multiple submitters, no conflicts (2 of 4 stars). 3 submissions from 3 submitters: Likely benign (2). 1 of the submissions does not count toward it. Last evaluated 2025-11-17.

Conditions:
COL18A1-related disorder. Also called: COL18A1-related disorders; COL18A1-related condition.

Allele frequency attached by ClinVar (database versions not stated): gnomAD 0.00004 and 0.00005; gnomAD exomes 0.00004 and 0.00005; TOPMed 0.00004; ExAC 0.00005; 1000 Genomes Project 30x 0.00016; 1000 Genomes Project 0.00020.
gnomAD v4.1: 59 of 1,600,710 alleles (0.0037%); highest among the groups gnomAD compares: Middle Eastern, 0.043%; no homozygotes.

Submissions (3):

Labcorp Genetics (formerly Invitae), Labcorp
Classification: Likely benign. Last evaluated: 2025-11-17. Review status: criteria provided, single submitter. Criteria: Invitae Variant Classification Sherloc (09022015). Collection method: clinical testing. Allele origin: germline.

Blueprint Genetics
Classification: Likely benign. Last evaluated: 2024-09-18. Review status: criteria provided, single submitter. Criteria: ACMG Guidelines, 2015. Collection method: clinical testing. Allele origin: germline.

PreventionGenetics, part of Exact Sciences
Classification: Likely benign for COL18A1-related condition. Last evaluated: 2024-07-11. Review status: no assertion criteria provided. Collection method: clinical testing. Allele origin: germline. Not counted in ClinVar's aggregate classification.
Comment: This variant is classified as likely benign based on ACMG/AMP sequence variant interpretation guidelines (Richards et al. 2015 PMID: 25741868, with internal and published modifications).

NM_001379500.1(COL18A1):c.633G>A (p.Ala211=)

Gene: COL18A1 (collagen type XVIII alpha 1 chain; plus strand). Cytogenetic location: 21q22.3.
Variant type: single nucleotide variant.
Coding change: c.633G>A on transcript NM_001379500.1 (MANE Select); coding-DNA position 633, G replaced by A.
Protein change: p.Ala211=; no amino-acid change (alanine 211 retained).
Molecular consequence: synonymous variant.
Genome position (GRCh38, 1-based): chr21:45,468,768, G>A. VCF-style: chr21-45468768-G-A. GRCh37 (hg19) VCF-style: chr21-46888682-G-A.
Other names: c.1173G>A (NM_030582.3); c.1173G>A, p.Ala391= (NM_030582.4); c.1878G>A, p.Ala626= (NM_130444.3).
Identifiers: ClinVar variation 1584212 (VCV001584212.10), dbSNP rs541632597, ClinGen allele CA10065810.